The following is an entry in ClinVar:

ClinVar aggregate classification (germline): Uncertain significance (0 of 4 stars; one submission).

Conditions:
TCF20-related disorder. Also called: TCF20-related condition.

Submission:

PreventionGenetics, part of Exact Sciences
Classification: Uncertain significance for TCF20-related condition. Last evaluated: 2024-02-05. Review status: no assertion criteria provided. Collection method: clinical testing. Allele origin: germline.
Comment: The TCF20 c.419A>G variant is predicted to result in the amino acid substitution p.Gln140Arg. To our knowledge, this variant has not been reported in the literature or in a large population database, indicating this variant is rare. At this time, the clinical significance of this variant is uncertain due to the absence of conclusive functional and genetic evidence.

NM_001378418.1(TCF20):c.419A>G (p.Gln140Arg)

Gene: TCF20 (transcription factor 20; minus strand). Cytogenetic location: 22q13.2.
Variant type: single nucleotide variant.
Coding change: c.419A>G on transcript NM_001378418.1 (MANE Select); coding-DNA position 419, A replaced by G.
Protein change: p.Gln140Arg; replaces glutamine 140 with arginine.
Molecular consequence: missense variant.
Genome position (GRCh38, 1-based): chr22:42,214,887, T>C on the plus strand (A>G on the coding strand, the complement: TCF20 is on the minus strand). VCF-style: chr22-42214887-T-C. GRCh37 (hg19) VCF-style: chr22-42610893-T-C.
Other names: c.419A>G, p.Gln140Arg (NM_005650.4, NM_181492.3); short protein forms Q140R.
Identifiers: ClinVar variation 3061067 (VCV003061067.2), dbSNP rs2518245692, ClinGen allele CA411793050.